The following is an entry in ClinVar:

ClinVar aggregate classification (germline): Uncertain significance. Review status: criteria provided, multiple submitters, no conflicts (2 of 4 stars). 2 submissions from 2 submitters: Uncertain significance (2). Last evaluated 2025-06-06.

Conditions:
Inborn genetic diseases. Identifiers: MedGen C0950123, MeSH D030342.

Allele frequency attached by ClinVar (database versions not stated): 1000 Genomes Project 0.00020; gnomAD exomes 0.00009 and 0.00003; ExAC 0.00013; gnomAD 0.00016 and 0.00019; TOPMed 0.00017; 1000 Genomes Project 30x 0.00031; ESP Exome Variant Server 0.00046.
gnomAD v4.1: 82 of 1,613,900 alleles (0.0051%); highest among the groups gnomAD compares: African/African-American, 0.053%; no homozygotes.

Submissions (2):

Ambry Genetics
Classification: Uncertain significance for Inborn genetic diseases. Last evaluated: 2025-06-06. Review status: criteria provided, single submitter. Criteria: Ambry Variant Classification Scheme 2023. Collection method: clinical testing. Allele origin: germline.

Labcorp Genetics (formerly Invitae), Labcorp
Classification: Uncertain significance. Last evaluated: 2025-01-13. Review status: criteria provided, single submitter. Criteria: Invitae Variant Classification Sherloc (09022015). Collection method: clinical testing. Allele origin: germline.
Comment: This sequence change replaces valine, which is neutral and non-polar, with methionine, which is neutral and non-polar, at codon 42 of the TYROBP protein (p.Val42Met). This variant is present in population databases (rs78458519, gnomAD 0.08%). This variant has not been reported in the literature in individuals affected with TYROBP-related conditions. ClinVar contains an entry for this variant (Variation ID: 1449571). An algorithm developed to predict the effect of missense changes on protein structure and function outputs the following: PolyPhen-2: "Benign". The methionine amino acid residue is found in multiple mammalian species, which suggests that this missense change does not adversely affect protein function. In summary, the available evidence is currently insufficient to determine the role of this variant in disease. Therefore, it has been classified as a Variant of Uncertain Significance.

NM_003332.4(TYROBP):c.124G>A (p.Val42Met)

Gene: TYROBP (transmembrane immune signaling adaptor TYROBP; minus strand). Cytogenetic location: 19q13.12.
Variant type: single nucleotide variant.
Coding change: c.124G>A on transcript NM_003332.4 (MANE Select); coding-DNA position 124, G replaced by A.
Protein change: p.Val42Met; replaces valine 42 with methionine.
Molecular consequence: missense variant. On other transcripts: non-coding transcript variant (1).
Genome position (GRCh38, 1-based): chr19:35,907,551, C>T on the plus strand (G>A on the coding strand, the complement: TYROBP is on the minus strand). VCF-style: chr19-35907551-C-T. GRCh37 (hg19) VCF-style: chr19-36398453-C-T.
Other names: c.91G>A, p.Val31Met (NM_001173514.2, NM_001173515.2); c.124G>A, p.Val42Met (NM_198125.3); c.124G>A (NM_003332.3); short protein forms V31M, V42M.
Identifiers: ClinVar variation 1449571 (VCV001449571.9), dbSNP rs78458519, ClinGen allele CA9393094.